The following is an entry in ClinVar:

ClinVar aggregate classification (germline): Conflicting classifications of pathogenicity. Review status: criteria provided, conflicting classifications (1 of 4 stars). 6 submissions from 6 submitters: Uncertain significance (5); Likely benign (1). Last evaluated 2025-06-25.

Conditions:
Hereditary cancer-predisposing syndrome. Also called: Neoplastic Syndromes, Hereditary; Hereditary Cancer Syndrome; Hereditary neoplastic syndrome; Tumor predisposition. Identifiers: Orphanet 140162, MedGen C0027672, MeSH D009386, MONDO:0015356.
Hereditary breast ovarian cancer syndrome. Also called: Hereditary breast and ovarian cancer syndrome; Hereditary breast and/or ovarian cancer syndrome; BRCA1- and BRCA2-Associated Hereditary Breast and Ovarian Cancer; Hereditary breast and ovarian cancer; Breast and ovarian cancer; Hereditary breast and ovarian cancer syndrome (HBOC). Identifiers: Orphanet 145, MedGen C0677776, MeSH D061325, MONDO:0003582. Disease mechanism: loss of function.
Breast-ovarian cancer, familial, susceptibility to, 2 (BROVCA2). Also called: BRCA2 Hereditary Breast and Ovarian Cancer. Identifiers: Orphanet 145, MedGen C2675520, MONDO:0012933, OMIM 612555. Disease mechanism: loss of function.

Allele frequency attached by ClinVar (database versions not stated): ExAC 0.00001.
gnomAD v4.1: 3 of 1,613,680 alleles (0.00019%); highest among the groups gnomAD compares: Non-Finnish European, 0.00017%; no homozygotes.

Submissions (6):

Labcorp Genetics (formerly Invitae), Labcorp
Classification: Uncertain significance for Hereditary breast ovarian cancer syndrome. Last evaluated: 2025-06-25. Review status: criteria provided, single submitter. Criteria: Invitae Variant Classification Sherloc (09022015). Collection method: clinical testing. Allele origin: germline.
Comment: This sequence change replaces asparagine, which is neutral and polar, with threonine, which is neutral and polar, at codon 2048 of the BRCA2 protein (p.Asn2048Thr). This variant is present in population databases (rs80358853, gnomAD 0.002%). This variant has not been reported in the literature in individuals affected with BRCA2-related conditions. ClinVar contains an entry for this variant (Variation ID: 142006). Invitae Evidence Modeling of protein sequence and biophysical properties (such as structural, functional, and spatial information, amino acid conservation, physicochemical variation, residue mobility, and thermodynamic stability) indicates that this missense variant is not expected to disrupt BRCA2 protein function with a negative predictive value of 95%. In summary, the available evidence is currently insufficient to determine the role of this variant in disease. Therefore, it has been classified as a Variant of Uncertain Significance.

Color Diagnostics, LLC DBA Color Health
Classification: Uncertain significance for Hereditary cancer-predisposing syndrome. Last evaluated: 2025-03-17. Review status: criteria provided, single submitter. Criteria: ACMG Guidelines, 2015. Collection method: clinical testing. Allele origin: germline.
Comment: This missense variant replaces asparagine with threonine at codon 2048 of the BRCA2 protein. Computational prediction suggests that this variant may not impact protein structure and function. To our knowledge, functional studies have not been reported for this variant. This variant has been detected in a breast cancer case-control meta-analysis in 1/60466 cases and 0/53461 unaffected individuals (PMID: 33471991; Leiden Open Variation Database DB-ID BRCA2_008415). A multifactorial analysis has reported a likelihood ratio for pathogenicity based on personal and family history of 2.058 from log(LR)=0.313455105 for 3 carriers (PMID: 31853058). This variant has been identified in 2/250954 chromosomes in the general population by the Genome Aggregation Database (gnomAD). The available evidence is insufficient to determine the role of this variant in disease conclusively. Therefore, this variant is classified as a Variant of Uncertain Significance.

Ambry Genetics
Classification: Uncertain significance for Hereditary cancer-predisposing syndrome. Last evaluated: 2025-02-15. Review status: criteria provided, single submitter. Criteria: Ambry Variant Classification Scheme 2023. Collection method: clinical testing. Allele origin: germline.
Comment: The p.N2048T variant (also known as c.6143A>C), located in coding exon 10 of the BRCA2 gene, results from an A to C substitution at nucleotide position 6143. The asparagine at codon 2048 is replaced by threonine, an amino acid with similar properties. This amino acid position is poorly conserved in available vertebrate species. In addition, this alteration is predicted to be tolerated by in silico analysis. Since supporting evidence is limited at this time, the clinical significance of this alteration remains unclear.

All of Us Research Program, National Institutes of Health
Classification: Uncertain significance for Breast-ovarian cancer, familial, susceptibility to, 2. Last evaluated: 2023-09-18. Review status: criteria provided, single submitter. Criteria: ACMG Guidelines, 2015. Collection method: clinical testing. Allele origin: germline. Inheritance: Autosomal dominant inheritance. Observed: 1 variant allele, 1 heterozygote.
Comment: This missense variant replaces asparagine with threonine at codon 2048 of the BRCA2 protein. Computational prediction suggests that this variant may not impact protein structure and function (internally defined REVEL score threshold <= 0.5, PMID: 27666373). To our knowledge, functional studies have not been reported for this variant. This variant has been detected in a breast cancer case-control meta-analysis in 1/60466 cases and 0/53461 unaffected individuals (PMID: 33471991; Leiden Open Variation Database DB-ID BRCA2_008415). This variant has been identified in 2/250954 chromosomes in the general population by the Genome Aggregation Database (gnomAD). The available evidence is insufficient to determine the role of this variant in disease conclusively. Therefore, this variant is classified as a Variant of Uncertain Significance.

This study involves interpretation of variants in research participants for the purpose of population health screening. Participant phenotype was not available at the time of variant classification. Additional details can be found in publication PMID: 35346344, PMCID: PMC8962531

University of Washington Department of Laboratory Medicine, University of Washington
Classification: Likely benign for Hereditary cancer-predisposing syndrome. Last evaluated: 2023-03-23. Review status: criteria provided, single submitter. Criteria: Dines et al. (Genet Med. 2020). Collection method: curation. Allele origin: germline.
Comment: Missense variant in a coldspot region where missense variants are very unlikely to be pathogenic (PMID:31911673).

BRCA2 exon 11 coldspot. Reclassification based on statistical prior probability.

Quest Diagnostics Nichols Institute San Juan Capistrano
Classification: Uncertain significance. Last evaluated: 2019-12-14. Review status: criteria provided, single submitter. Criteria: Quest Diagnostics criteria. Collection method: clinical testing. Allele origin: unknown.

Literature cited by the submitters: PubMed 31853058 (cited by Color Diagnostics, LLC DBA Color Health); PubMed 33471991 (cited by Color Diagnostics, LLC DBA Color Health and All of Us Research Program, National Institutes of Health).

NM_000059.4(BRCA2):c.6143A>C (p.Asn2048Thr)

Gene: BRCA2 (BRCA2 DNA repair associated; plus strand). Cytogenetic location: 13q13.1.
Variant type: single nucleotide variant.
Coding change: c.6143A>C on transcript NM_000059.4 (MANE Select); coding-DNA position 6143, A replaced by C.
Protein change: p.Asn2048Thr; replaces asparagine 2048 with threonine.
Molecular consequence: missense variant.
Genome position (GRCh38, 1-based): chr13:32,340,498, A>C. VCF-style: chr13-32340498-A-C. GRCh37 (hg19) VCF-style: chr13-32914635-A-C.
Other names: short protein forms N2048T.
Identifiers: ClinVar variation 142006 (VCV000142006.22), dbSNP rs80358853, ClinGen allele CA023693.